The following is an entry in ClinVar:

NM_001079668.3(NKX2-1):c.1051_1063del (p.Pro351fs)

Genes: NKX2-1 (NK2 homeobox 1; minus strand), SFTA3 (surfactant associated 3; minus strand). Cytogenetic location: 14q13.3.
Variant type: Deletion.
Coding change: c.1051_1063del on transcript NM_001079668.3 (MANE Select); coding-DNA positions 1051 to 1063, 13 bases deleted (CCAGGCAGCGCAG).
Protein change: p.Pro351fs; shifts the reading frame from proline 351.
Molecular consequence: frameshift variant.
Genome position (GRCh38, 1-based): chr14:36,517,421-36,517,433, CTGCGCTGCCTGG deleted on the plus strand (CCAGGCAGCGCAG on the coding strand, the reverse complement: NKX2-1 is on the minus strand); deleting any 13 consecutive bases within chr14:36,517,421-36,517,436 gives the same sequence; the c. name uses the placement nearest the transcript's 3' end. VCF-style (leftmost placement, unchanged base first): chr14-36517420-CCTGCGCTGCCTGG-C. GRCh37 (hg19) VCF-style: chr14-36986625-CCTGCGCTGCCTGG-C.
Other names: c.961_973del, p.Pro321fs (NM_003317.4); short protein forms P321fs, P351fs.
Identifiers: ClinVar variation 2499530 (VCV002499530.3), dbSNP rs2502626035, ClinGen allele CA2580088070.

ClinVar aggregate classification (germline): Likely pathogenic (1 of 4 stars; one submission).

Conditions:
Brain-lung-thyroid syndrome. Also called: Choreoathetosis, congenital hypothyroidism, and neonatal respiratory distress; Choreoathetosis, Congenital Hypothyroidism, and Neonatal Respiratory Distress Syndrome (Brain-Lung-Thyroid Syndrome); CHOREOATHETOSIS AND CONGENITAL HYPOTHYROIDISM WITH PULMONARY DYSFUNCTION. Identifiers: Orphanet 209905, MedGen C1970269, MONDO:0012593, OMIM 610978.

Submission:

Diagnostics Services (NGS), CSIR - Centre For Cellular And Molecular Biology
Classification: Likely pathogenic for Brain-lung-thyroid syndrome. Last evaluated: 2023-04-05. Review status: criteria provided, single submitter. Criteria: ACMG Guidelines, 2015. Collection method: clinical testing. Allele origin: unknown. Affected: yes. Observed: 1 variant allele, 1 heterozygote.
Comment: The c.1051_1063del variant is not present in publicly available population databases like 1000 Genomes, ExAC, EVS, Indian Exome Database or our in-house exome database. The variant has neither been published in literature nor reported to clinical databases like ClinVar, Human Gene Mutation Database (HGMD) or OMIM, in any affected individuals. In silico pathogenicity prediction programs like MutationTaster2, CADD, Varsome, Franklin etc predicted this variant to be likely deleterious. This variant causes frameshift at the 351st amino acid position of the original transcript that creates a premature translational stop signal in the altered transcript which may either result in translation of a truncated protein or cause nonsense mediated decay of the mRNA.